The following is an entry in ClinVar:

NM_000186.4(CFH):c.3606A>C (p.Lys1202Asn)

Gene: CFH (complement factor H; plus strand). Cytogenetic location: 1q31.3.
Variant type: single nucleotide variant.
Coding change: c.3606A>C on transcript NM_000186.4 (MANE Select); coding-DNA position 3606, A replaced by C.
Protein change: p.Lys1202Asn; replaces lysine 1202 with asparagine.
Molecular consequence: missense variant.
Genome position (GRCh38, 1-based): chr1:196,747,223, A>C. VCF-style: chr1-196747223-A-C. GRCh37 (hg19) VCF-style: chr1-196716353-A-C.
Other names: short protein forms K1202N.
Identifiers: ClinVar variation 4291628 (VCV004291628.1).

ClinVar aggregate classification (germline): Uncertain significance (1 of 4 stars; one submission).

Conditions:
Atypical hemolytic-uremic syndrome. Identifiers: Orphanet 2134, MedGen C2931788, MONDO:0016244.
Basal laminar drusen. Also called: DRUSEN OF BRUCH MEMBRANE; DRUSEN, CUTICULAR; DRUSEN, EARLY ADULT-ONSET, GROUPED. Identifiers: Orphanet 75376, MedGen C0730295, MONDO:0007472, OMIM 126700.
Factor H deficiency (CFHD). Also called: COMPLEMENT FACTOR H DEFICIENCY; CFH DEFICIENCY. Identifiers: Orphanet 200421, MedGen C0398777, MONDO:0012350, OMIM 609814.
Age related macular degeneration 4. Identifiers: MedGen C1853147, MONDO:0012540, OMIM 610698.

gnomAD v4.1: 10 of 1,613,820 alleles (0.00062%); highest among the groups gnomAD compares: Non-Finnish European, 0.00025%; no homozygotes.

Submission:

Genomenon, Inc
Classification: Uncertain significance for Basal laminar drusen; Age related macular degeneration 4; Atypical hemolytic-uremic syndrome; Factor H deficiency. Last evaluated: 2025-10-02. Review status: criteria provided, single submitter. Criteria: Genomenon Sequence Variant Interpretation Standards - Updated. Collection method: curation. Allele origin: germline. Affected: no.
Comment: CFH p.Lys1202Asn (c.3606A>C) is a missense variant that changes the amino acid at residue 1202 from Lysine to Asparagine. This variant has been reported in the published literature (PMID:27905547). It is absent or not present at a significant frequency in gnomAD. In conclusion, we classify CFH p.Lys1202Asn (c.3606A>C) as a variant of uncertain significance.

Literature cited by the submitters: PubMed 27905547.